The following is an entry in ClinVar:

NM_001267550.2(TTN):c.11615G>T (p.Gly3872Val)

Gene: TTN (titin; minus strand). Cytogenetic location: 2q31.2.
Variant type: single nucleotide variant.
Coding change: c.11615G>T on transcript NM_001267550.2 (MANE Select); coding-DNA position 11615, G replaced by T.
Protein change: p.Gly3872Val; replaces glycine 3872 with valine.
Molecular consequence: missense variant. On other transcripts: intron variant (1).
Genome position (GRCh38, 1-based): chr2:178,741,618, C>A on the plus strand (G>T on the coding strand, the complement: TTN is on the minus strand). VCF-style: chr2-178741618-C-A. GRCh37 (hg19) VCF-style: chr2-179606345-C-A.
Other names: c.10664G>T, p.Gly3555Val (NM_001256850.1); c.10526G>T, p.Gly3509Val (NM_003319.4); c.10901G>T, p.Gly3634Val (NM_133432.3); c.11102G>T, p.Gly3701Val (NM_133437.4); c.10361-3258G>T (NM_133378.4); c.11615G>T (NM_001267550.1); short protein forms G3872V, G3555V, G3509V, G3634V, G3701V.
Identifiers: ClinVar variation 287349 (VCV000287349.11), dbSNP rs751755895, ClinGen allele CA2002827.

ClinVar aggregate classification (germline): Uncertain significance. Review status: criteria provided, multiple submitters, no conflicts (2 of 4 stars). 5 submissions from 5 submitters: Uncertain significance (5). Last evaluated 2026-03-31.

Conditions:
Early-onset myopathy with fatal cardiomyopathy (CMYO5). Also called: Salih Myopathy; CONGENITAL MYOPATHY 5 WITH CARDIOMYOPATHY. Identifiers: Orphanet 289377, MedGen C2673677, MONDO:0012714, OMIM 611705. Disease mechanism: loss of function.
Dilated cardiomyopathy 1G (CMD1G). Identifiers: Orphanet 154, MedGen C1858763, MONDO:0011400, OMIM 604145.
Tibial muscular dystrophy (TMD). Also called: UDD MYOPATHY; Tibial muscular dystrophy, tardive; Udd Distal Myopathy – Tibial Muscular Dystrophy. Identifiers: Orphanet 609, MedGen C1838244, MONDO:0010870, OMIM 600334.
Autosomal recessive limb-girdle muscular dystrophy type 2J (LGMDR10). Also called: Limb-girdle muscular dystrophy, type 2J; MUSCULAR DYSTROPHY, LIMB-GIRDLE, AUTOSOMAL RECESSIVE 10. Identifiers: Orphanet 140922, MedGen C1837342, MONDO:0012127, OMIM 608807.
Hypertrophic cardiomyopathy 9. Also called: Familial hypertrophic cardiomyopathy 9. Identifiers: MedGen C1861065, MONDO:0013412, OMIM 613765.
Myopathy, myofibrillar, 9, with early respiratory failure (MFM9). Also called: Hereditary myopathy with early respiratory failure; MYOPATHY, PROXIMAL, WITH EARLY RESPIRATORY MUSCLE INVOLVEMENT; EDSTROM MYOPATHY; Myopathy, distal, with early respiratory failure, autosomal dominant. Identifiers: Orphanet 178464, Orphanet 34521, MedGen C1863599, MONDO:0011362, OMIM 603689.
Cardiovascular phenotype. Identifiers: MedGen CN230736.
TTN-related disorder. Also called: TTN-related condition; TTN-related disease; TTN-related disorders.

Allele frequency attached by ClinVar (database versions not stated): ExAC 0.00001; gnomAD exomes 0.00001; gnomAD 0.00003 and 0.00004; TOPMed 0.00003.

Submissions (5):

PreventionGenetics, part of Exact Sciences
Classification: Uncertain significance for TTN-related condition. Last evaluated: 2026-03-31. Review status: criteria provided, single submitter. Criteria: ACMG Guidelines, 2015. Collection method: clinical testing. Allele origin: germline.
Comment: The TTN c.11615G>T variant is predicted to result in the amino acid substitution p.Gly3872Val. To our knowledge, this variant has not been reported in the literature. This variant is reported in 0.0031% of alleles in individuals of European (Non-Finnish) descent in gnomAD. At this time, the clinical significance of this variant is uncertain due to the absence of conclusive functional and genetic evidence.

GeneDx
Classification: Uncertain significance. Last evaluated: 2023-08-31. Review status: criteria provided, single submitter. Criteria: GeneDx Variant Classification Process June 2021. Collection method: clinical testing. Allele origin: germline.
Comment: Not observed at significant frequency in large population cohorts (gnomAD); Missense variant in a gene in which most reported pathogenic variants are truncating/loss of function; Has not been previously published as pathogenic or benign to our knowledge; Located in a region of TTN within the I-band in which the majority of loss of function variants are significantly associated with autosomal dominant titinopathies (Deo et al., 2016; Schafer et al., 2017)

Fulgent Genetics
Classification: Uncertain significance for Tibial muscular dystrophy; Myopathy, myofibrillar, 9, with early respiratory failure; Dilated cardiomyopathy 1G; Autosomal recessive limb-girdle muscular dystrophy type 2J; Early-onset myopathy with fatal cardiomyopathy; Hypertrophic cardiomyopathy 9. Last evaluated: 2021-07-02. Review status: criteria provided, single submitter. Criteria: ACMG Guidelines, 2015. Collection method: clinical testing. Allele origin: unknown.

Ambry Genetics
Classification: Uncertain significance for Cardiovascular phenotype. Last evaluated: 2020-01-17. Review status: criteria provided, single submitter. Criteria: Ambry Variant Classification Scheme 2023. Collection method: clinical testing. Allele origin: germline.
Comment: The p.G3509V variant (also known as c.10526G>T), located in coding exon 44 of the TTN gene, results from a G to T substitution at nucleotide position 10526. The glycine at codon 3509 is replaced by valine, an amino acid with dissimilar properties. This amino acid position is not well conserved in available vertebrate species, and valine is the reference amino acid in other vertebrate species. In addition, this alteration is predicted to be tolerated by in silico analysis. Since supporting evidence is limited at this time, the clinical significance of this alteration remains unclear.

Eurofins Ntd Llc (ga)
Classification: Uncertain significance. Last evaluated: 2017-12-22. Review status: criteria provided, single submitter. Criteria: EGL Classification Definitions 2015. Collection method: clinical testing. Allele origin: germline. Observed: 3 variant alleles, 3 heterozygotes.